The following is an entry in ClinVar:

NM_001348716.2(KDM6B):c.2217C>G (p.Asp739Glu)

Gene: KDM6B (lysine demethylase 6B; plus strand). Cytogenetic location: 17p13.1.
Variant type: single nucleotide variant.
Coding change: c.2217C>G on transcript NM_001348716.2 (MANE Select); coding-DNA position 2217, C replaced by G.
Protein change: p.Asp739Glu; replaces aspartic acid 739 with glutamic acid.
Molecular consequence: missense variant.
Genome position (GRCh38, 1-based): chr17:7,848,505, C>G. VCF-style: chr17-7848505-C-G. GRCh37 (hg19) VCF-style: chr17-7751823-C-G.
Other names: c.2217C>G, p.Asp739Glu (NM_001080424.2); short protein forms D739E.
Identifiers: ClinVar variation 4534604 (VCV004534604.6).

ClinVar aggregate classification (germline): Likely benign (1 of 4 stars; one submission).

gnomAD v4.1: 28 of 1,611,778 alleles (0.0017%); highest among the groups gnomAD compares: Non-Finnish European, 0.002%; no homozygotes.

Submission:

CeGaT Center for Human Genetics Tuebingen
Classification: Likely benign. Last evaluated: 2026-03-01. Review status: criteria provided, single submitter. Criteria: CeGaT Center For Human Genetics Tuebingen Variant Classification Criteria Version 2. Collection method: clinical testing. Allele origin: germline. Affected: yes. Observed: 2 variant alleles.
Comment: KDM6B: BP4